The following is an entry in ClinVar:

ClinVar aggregate classification (germline): Uncertain significance (1 of 4 stars; one submission).

Submission:

Labcorp Genetics (formerly Invitae), Labcorp
Classification: Uncertain significance. Last evaluated: 2025-09-09. Review status: criteria provided, single submitter. Criteria: Invitae Variant Classification Sherloc (09022015). Collection method: clinical testing. Allele origin: germline.
Comment: This sequence change replaces arginine, which is basic and polar, with serine, which is neutral and polar, at codon 613 of the ITGAM protein (p.Arg613Ser). This variant is not present in population databases (gnomAD no frequency). This variant has not been reported in the literature in individuals affected with ITGAM-related conditions. An algorithm developed to predict the effect of missense changes on protein structure and function (PolyPhen-2) suggests that this variant is likely to be disruptive. Algorithms developed to predict the effect of sequence changes on RNA splicing suggest that this variant may disrupt the consensus splice site. In summary, the available evidence is currently insufficient to determine the role of this variant in disease. Therefore, it has been classified as a Variant of Uncertain Significance.

NM_000632.4(ITGAM):c.1839G>T (p.Arg613Ser)

Gene: ITGAM (integrin subunit alpha M; plus strand). Cytogenetic location: 16p11.2.
Variant type: single nucleotide variant.
Coding change: c.1839G>T on transcript NM_000632.4 (MANE Select); coding-DNA position 1839, G replaced by T.
Protein change: p.Arg613Ser; replaces arginine 613 with serine.
Molecular consequence: missense variant.
Genome position (GRCh38, 1-based): chr16:31,321,464, G>T. VCF-style: chr16-31321464-G-T. GRCh37 (hg19) VCF-style: chr16-31332785-G-T.
Other names: c.1842G>T, p.Arg614Ser (NM_001145808.2); short protein forms R613S, R614S.
Identifiers: ClinVar variation 4761426 (VCV004761426.1).